The following is an entry in ClinVar:

NM_000062.3(SERPING1):c.286A>C (p.Thr96Pro)

Gene: SERPING1 (serpin family G member 1; plus strand). Cytogenetic location: 11q12.1.
Variant type: single nucleotide variant.
Coding change: c.286A>C on transcript NM_000062.3 (MANE Select); coding-DNA position 286, A replaced by C.
Protein change: p.Thr96Pro; replaces threonine 96 with proline.
Molecular consequence: missense variant.
Genome position (GRCh38, 1-based): chr11:57,600,113, A>C. VCF-style: chr11-57600113-A-C. GRCh37 (hg19) VCF-style: chr11-57367586-A-C.
Other names: c.286A>C, p.Thr96Pro (NM_001032295.2); short protein forms T96P.
Identifiers: ClinVar variation 3440081 (VCV003440081.1).

ClinVar aggregate classification (germline): Uncertain significance (1 of 4 stars; one submission).

Conditions:
Inborn genetic diseases. Identifiers: MedGen C0950123, MeSH D030342.

Submission:

Ambry Genetics
Classification: Uncertain significance for Inborn genetic diseases. Last evaluated: 2024-10-24. Review status: criteria provided, single submitter. Criteria: Ambry Variant Classification Scheme 2023. Collection method: clinical testing. Allele origin: germline.
Comment: The p.T96P variant (also known as c.286A>C), located in coding exon 2 of the SERPING1 gene, results from an A to C substitution at nucleotide position 286. The threonine at codon 96 is replaced by proline, an amino acid with highly similar properties. This amino acid position is conserved. In addition, this alteration is predicted to be tolerated by in silico analysis. Based on the available evidence, the clinical significance of this variant remains unclear.